The following is an entry in ClinVar:

NM_002230.4(JUP):c.1951C>T (p.Arg651Cys)

Gene: JUP (junction plakoglobin; minus strand). Cytogenetic location: 17q21.2.
Variant type: single nucleotide variant.
Coding change: c.1951C>T on transcript NM_002230.4 (MANE Select); coding-DNA position 1951, C replaced by T.
Protein change: p.Arg651Cys; replaces arginine 651 with cysteine.
Molecular consequence: missense variant.
Genome position (GRCh38, 1-based): chr17:41,757,510, G>A on the plus strand (C>T on the coding strand, the complement: JUP is on the minus strand). VCF-style: chr17-41757510-G-A. GRCh37 (hg19) VCF-style: chr17-39913762-G-A.
Other names: c.1951C>T, p.Arg651Cys (NM_001352773.2, NM_001352774.2, NM_001352775.2 and 3 more transcripts); short protein forms R651C.
Identifiers: ClinVar variation 2413986 (VCV002413986.5), dbSNP rs1555598694, ClinGen allele CA399491938.

ClinVar aggregate classification (germline): Uncertain significance (1 of 4 stars; one submission).

Conditions:
Naxos disease (NXD). Also called: KERATOSIS PALMOPLANTARIS WITH ARRHYTHMOGENIC CARDIOMYOPATHY; MAL DE NAXOS; CARDIOMYOPATHY, ARRHYTHMOGENIC RIGHT VENTRICULAR, WITH SKIN, HAIR, AND NAIL ABNORMALITIES; PALMOPLANTAR KERATODERMA WITH ARRHYTHMOGENIC RIGHT VENTRICULAR CARDIOMYOPATHY AND WOOLLY HAIR; WOOLLY HAIR, PALMOPLANTAR KERATODERMA, AND CARDIAC ABNORMALITIES. Identifiers: Orphanet 34217, MedGen C1832600, MONDO:0011017, OMIM 601214.
Arrhythmogenic right ventricular dysplasia 12. Also called: ARRHYTHMOGENIC RIGHT VENTRICULAR DYSPLASIA, FAMILIAL, 12. Identifiers: MedGen C1969081, MONDO:0012684, OMIM 611528.

Allele frequency attached by ClinVar (database versions not stated): gnomAD 0.00001.
gnomAD v4.1: 6 of 1,614,052 alleles (0.00037%); highest among the groups gnomAD compares: East Asian, 0.0022%; no homozygotes.

Submission:

Labcorp Genetics (formerly Invitae), Labcorp
Classification: Uncertain significance for Arrhythmogenic right ventricular dysplasia 12; Naxos disease. Last evaluated: 2024-04-17. Review status: criteria provided, single submitter. Criteria: Invitae Variant Classification Sherloc (09022015). Collection method: clinical testing. Allele origin: germline.
Comment: This sequence change replaces arginine, which is basic and polar, with cysteine, which is neutral and slightly polar, at codon 651 of the JUP protein (p.Arg651Cys). This variant is present in population databases (no rsID available, gnomAD 0.06%). This variant has not been reported in the literature in individuals affected with JUP-related conditions. ClinVar contains an entry for this variant (Variation ID: 2413986). An algorithm developed to predict the effect of missense changes on protein structure and function (PolyPhen-2) suggests that this variant is likely to be disruptive. In summary, the available evidence is currently insufficient to determine the role of this variant in disease. Therefore, it has been classified as a Variant of Uncertain Significance.